The following is an entry in ClinVar:

NM_006947.4(SRP72):c.1980A>T (p.Gln660His)

Gene: SRP72 (signal recognition particle 72; plus strand). Cytogenetic location: 4q12.
Variant type: single nucleotide variant.
Coding change: c.1980A>T on transcript NM_006947.4 (MANE Select); coding-DNA position 1980, A replaced by T.
Protein change: p.Gln660His; replaces glutamine 660 with histidine.
Molecular consequence: missense variant. On other transcripts: non-coding transcript variant (1).
Genome position (GRCh38, 1-based): chr4:56,501,825, A>T. VCF-style: chr4-56501825-A-T. GRCh37 (hg19) VCF-style: chr4-57367991-A-T.
Other names: c.1797A>T, p.Gln599His (NM_001267722.2); short protein forms Q599H, Q660H.
Identifiers: ClinVar variation 5030262 (VCV005030262.1).

ClinVar aggregate classification (germline): Uncertain significance (1 of 4 stars; one submission).

Submission:

Ambry Genetics
Classification: Uncertain significance. Last evaluated: 2026-08-29. Review status: criteria provided, single submitter. Criteria: Ambry Variant Classification Scheme 2023. Collection method: clinical testing. Allele origin: germline.
Comment: The p.Q660H variant (also known as c.1980A>T), located in coding exon 19 of the SRP72 gene, results from an A to T substitution at nucleotide position 1980. The glutamine at codon 660 is replaced by histidine, an amino acid with highly similar properties. This amino acid position is conserved. In addition, this alteration is predicted to be tolerated by in silico analysis. Based on the available evidence, the clinical significance of this variant remains unclear.